The following is an entry in ClinVar:

ClinVar aggregate classification (germline): Uncertain significance (1 of 4 stars; one submission).

Conditions:
Severe combined immunodeficiency due to DNA-PKcs deficiency. Also called: Immunodeficiency 26 with or without neurologic abnormalities; IMMUNODEFICIENCY 26 WITH NEUROLOGIC ABNORMALITIES. Identifiers: Orphanet 317425, MedGen C4014833, MONDO:0014423, OMIM 615966.

Allele frequency attached by ClinVar (database versions not stated): gnomAD exomes 0.00001.
gnomAD v4.1: 7 of 1,564,462 alleles (0.00045%); highest among the groups gnomAD compares: South Asian, 0.0059%; no homozygotes.

Submission:

Labcorp Genetics (formerly Invitae), Labcorp
Classification: Uncertain significance for Severe combined immunodeficiency due to DNA-PKcs deficiency. Last evaluated: 2022-03-04. Review status: criteria provided, single submitter. Criteria: Invitae Variant Classification Sherloc (09022015). Collection method: clinical testing. Allele origin: germline.
Comment: In summary, the available evidence is currently insufficient to determine the role of this variant in disease. Therefore, it has been classified as a Variant of Uncertain Significance. Experimental studies and prediction algorithms are not available or were not evaluated, and the functional significance of this variant is currently unknown. This variant has not been reported in the literature in individuals affected with PRKDC-related conditions. This variant is present in population databases (no rsID available, gnomAD 0.004%). This sequence change replaces threonine, which is neutral and polar, with alanine, which is neutral and non-polar, at codon 2467 of the PRKDC protein (p.Thr2467Ala).

NM_006904.7(PRKDC):c.7399A>G (p.Thr2467Ala)

Gene: PRKDC (protein kinase, DNA-activated, catalytic subunit; minus strand). Cytogenetic location: 8q11.21.
Variant type: single nucleotide variant.
Coding change: c.7399A>G on transcript NM_006904.7 (MANE Select); coding-DNA position 7399, A replaced by G.
Protein change: p.Thr2467Ala; replaces threonine 2467 with alanine.
Molecular consequence: missense variant.
Genome position (GRCh38, 1-based): chr8:47,840,071, T>C on the plus strand (A>G on the coding strand, the complement: PRKDC is on the minus strand). VCF-style: chr8-47840071-T-C. GRCh37 (hg19) VCF-style: chr8-48752632-T-C.
Other names: c.7399A>G, p.Thr2467Ala (NM_001081640.2); short protein forms T2467A.
Identifiers: ClinVar variation 2159633 (VCV002159633.4), dbSNP rs1205424428, ClinGen allele CA371155166.